The following is an entry in ClinVar:

ClinVar aggregate classification (germline): Uncertain significance (1 of 4 stars; one submission).

Conditions:
Idiopathic generalized epilepsy. Also called: Generalised epilepsy; EIG. Identifiers: MedGen C0270850, MONDO:0005579, OMIM 600669.
Hyperaldosteronism, familial, type IV (HALD4). Also called: FH IV; ALDOSTERONISM, PRIMARY, AND HYPERTENSION. Identifiers: Orphanet 642671, MedGen C4310756, MONDO:0014875, OMIM 617027.

Submission:

Labcorp Genetics (formerly Invitae), Labcorp
Classification: Uncertain significance for Idiopathic generalized epilepsy; Hyperaldosteronism, familial, type IV. Last evaluated: 2023-08-16. Review status: criteria provided, single submitter. Criteria: Invitae Variant Classification Sherloc (09022015). Collection method: clinical testing. Allele origin: germline.
Comment: In summary, the available evidence is currently insufficient to determine the role of this variant in disease. Therefore, it has been classified as a Variant of Uncertain Significance. Advanced modeling of protein sequence and biophysical properties (such as structural, functional, and spatial information, amino acid conservation, physicochemical variation, residue mobility, and thermodynamic stability) performed at Invitae indicates that this missense variant is not expected to disrupt CACNA1H protein function. This variant has not been reported in the literature in individuals affected with CACNA1H-related conditions. This variant is not present in population databases (gnomAD no frequency). This sequence change replaces serine, which is neutral and polar, with asparagine, which is neutral and polar, at codon 2030 of the CACNA1H protein (p.Ser2030Asn).

NM_021098.3(CACNA1H):c.6089G>A (p.Ser2030Asn)

Gene: CACNA1H (calcium voltage-gated channel subunit alpha1 H; plus strand). Cytogenetic location: 16p13.3.
Variant type: single nucleotide variant.
Coding change: c.6089G>A on transcript NM_021098.3 (MANE Select); coding-DNA position 6089, G replaced by A.
Protein change: p.Ser2030Asn; replaces serine 2030 with asparagine.
Molecular consequence: missense variant.
Genome position (GRCh38, 1-based): chr16:1,220,021, G>A. VCF-style: chr16-1220021-G-A. GRCh37 (hg19) VCF-style: chr16-1270021-G-A.
Other names: c.6071G>A, p.Ser2024Asn (NM_001005407.2); short protein forms S2024N, S2030N.
Identifiers: ClinVar variation 2951014 (VCV002951014.3), dbSNP rs2141406159, ClinGen allele CA394149054.